The following is an entry in ClinVar:

NC_000019.10:g.(?_1218407)_(1226657_?)del

Gene: STK11 (serine/threonine kinase 11; plus strand). Cytogenetic location: 19p13.3.
Variant type: Deletion.
Identifiers: ClinVar variation 831632 (VCV000831632.1).

ClinVar aggregate classification (germline): Pathogenic (1 of 4 stars; one submission).

Conditions:
Peutz-Jeghers syndrome (PJS). Also called: Peutz-Jeghers polyposis; Periorificial lentiginosis syndrome; POLYPOSIS, HAMARTOMATOUS INTESTINAL; POLYPS-AND-SPOTS SYNDROME. Identifiers: Orphanet 2869, MedGen C0031269, MeSH D010580, MONDO:0008280, OMIM 175200.

Submission:

Labcorp Genetics (formerly Invitae), Labcorp
Classification: Pathogenic for Peutz-Jeghers syndrome. Last evaluated: 2019-01-04. Review status: criteria provided, single submitter. Criteria: Invitae Variant Classification Sherloc (09022015). Collection method: clinical testing. Allele origin: germline.
Comment: This variant is a gross deletion of the genomic region encompassing exons 2-9 of the STK11 gene. The 5' boundary is likely confined to intron 1. The 3' end of this event is unknown as it extends through the termination codon beyond the assayed region for this gene and may encompass additional genes. Exon 10 of STK11 is non-coding and is not included in the assayed region. While this deletion is not anticipated to result in nonsense mediated decay, it is expected to create a truncated protein product by eliminating more than 300 amino acid residues (>70%) from the full length protein or disrupt mRNA translation. This variant has not been reported in the literature in individuals with STK11-related disease. However a similar deletion encompassing exons 2-10 (PMID: 16287113) has been reported in individuals affected with Peutz Jeghers syndrome (PJS). This deletion removes the majority of the protein kinase domain of the STK11 protein. Loss of STK11 kinase activity has been reported to cause PJS (PMID: 9837816, 15987703). Sub-genic deletion of exons 3-9 has been determined to be pathogenic (PMID: 24652667, 26386697, Invitae). Therefore, deletions that fully encompass that region are also expected to be pathogenic. For these reasons, this variant has been classified as Pathogenic.

Literature cited by the submitters: PubMed 9837816; PubMed 15987703; PubMed 24652667; PubMed 16287113; PubMed 26386697.